The following is an entry in ClinVar:

NM_005045.4(RELN):c.3789G>A (p.Met1263Ile)

Gene: RELN (reelin; minus strand). Cytogenetic location: 7q22.1.
Variant type: single nucleotide variant.
Coding change: c.3789G>A on transcript NM_005045.4 (MANE Select); coding-DNA position 3789, G replaced by A.
Protein change: p.Met1263Ile; replaces methionine 1263 with isoleucine.
Molecular consequence: missense variant.
Genome position (GRCh38, 1-based): chr7:103,593,805, C>T on the plus strand (G>A on the coding strand, the complement: RELN is on the minus strand). VCF-style: chr7-103593805-C-T. GRCh37 (hg19) VCF-style: chr7-103234252-C-T.
Other names: c.3789G>A, p.Met1263Ile (NM_173054.3); short protein forms M1263I.
Identifiers: ClinVar variation 1055341 (VCV001055341.9), dbSNP rs778006321, ClinGen allele CA4421667.

ClinVar aggregate classification (germline): Uncertain significance (1 of 4 stars; one submission).

Conditions:
Norman-Roberts syndrome (LIS2). Also called: Lissencephaly 2 (Norman-Roberts type). Identifiers: Orphanet 89844, MedGen C0796089, MONDO:0009760, OMIM 257320.
Familial temporal lobe epilepsy 7. Identifiers: Orphanet 101046, MedGen C4225327, MONDO:0014639, OMIM 616436.

Allele frequency attached by ClinVar (database versions not stated): gnomAD 0.00001; gnomAD exomes 0.00001 and 0.00002; TOPMed 0.00001; ExAC 0.00002.

Submission:

Labcorp Genetics (formerly Invitae), Labcorp
Classification: Uncertain significance for Familial temporal lobe epilepsy 7; Norman-Roberts syndrome. Last evaluated: 2023-04-01. Review status: criteria provided, single submitter. Criteria: Invitae Variant Classification Sherloc (09022015). Collection method: clinical testing. Allele origin: germline.
Comment: In summary, the available evidence is currently insufficient to determine the role of this variant in disease. Therefore, it has been classified as a Variant of Uncertain Significance. Advanced modeling of protein sequence and biophysical properties (such as structural, functional, and spatial information, amino acid conservation, physicochemical variation, residue mobility, and thermodynamic stability) performed at Invitae indicates that this missense variant is not expected to disrupt RELN protein function. ClinVar contains an entry for this variant (Variation ID: 1055341). This variant has not been reported in the literature in individuals affected with RELN-related conditions. This variant is present in population databases (rs778006321, gnomAD 0.003%). This sequence change replaces methionine, which is neutral and non-polar, with isoleucine, which is neutral and non-polar, at codon 1263 of the RELN protein (p.Met1263Ile).